The following is an entry in ClinVar:

ClinVar aggregate classification (germline): Likely pathogenic (1 of 4 stars; one submission).

Conditions:
Atrial fibrillation, familial, 18 (ATFB18). Identifiers: MedGen C4310636, MONDO:0015001, OMIM 617280.

Allele frequency attached by ClinVar (database versions not stated): gnomAD exomes 0.00001.
gnomAD v4.1: 11 of 1,611,974 alleles (0.00068%); highest among the groups gnomAD compares: Admixed American, 0.0033%; no homozygotes.

Submission:

Labcorp Genetics (formerly Invitae), Labcorp
Classification: Likely pathogenic for Atrial fibrillation, familial, 18. Last evaluated: 2025-10-13. Review status: criteria provided, single submitter. Criteria: Invitae Variant Classification Sherloc (09022015). Collection method: clinical testing. Allele origin: germline.
Comment: This sequence change affects a donor splice site in intron 5 of the MYL4 gene. It is expected to disrupt RNA splicing. Variants that disrupt the donor or acceptor splice site typically lead to a loss of protein function (PMID: 16199547), and loss-of-function variants in MYL4 are known to be pathogenic (PMID: 25807286, 27742809). This variant is present in population databases (no rsID available, gnomAD 0.003%). This variant has not been reported in the literature in individuals affected with MYL4-related conditions. ClinVar contains an entry for this variant (Variation ID: 1474944). Algorithms developed to predict the effect of sequence changes on RNA splicing suggest that this variant may disrupt the consensus splice site. In summary, the currently available evidence indicates that the variant is pathogenic, but additional data are needed to prove that conclusively. Therefore, this variant has been classified as Likely Pathogenic.

Literature cited by the submitters: PubMed 16199547; PubMed 25807286; PubMed 27742809.

NM_002476.2(MYL4):c.487+1G>A

Gene: MYL4 (myosin light chain 4; plus strand). Cytogenetic location: 17q21.32.
Variant type: single nucleotide variant.
Coding change: c.487+1G>A on transcript NM_002476.2 (MANE Select); the canonical splice donor site of the intron after coding-DNA position 487, G replaced by A.
Molecular consequence: splice donor variant.
Genome position (GRCh38, 1-based): chr17:47,221,856, G>A. VCF-style: chr17-47221856-G-A. GRCh37 (hg19) VCF-style: chr17-45299222-G-A.
Other names: c.487+1G>A (NM_001002841.2).
Identifiers: ClinVar variation 1474944 (VCV001474944.6), dbSNP rs769405762, ClinGen allele CA291225753.